The following is an entry in ClinVar:

ClinVar aggregate classification (germline): Uncertain significance (1 of 4 stars; one submission).

Submission:

Labcorp Genetics (formerly Invitae), Labcorp
Classification: Uncertain significance. Last evaluated: 2024-04-25. Review status: criteria provided, single submitter. Criteria: Invitae Variant Classification Sherloc (09022015). Collection method: clinical testing. Allele origin: germline.
Comment: This sequence change replaces methionine, which is neutral and non-polar, with leucine, which is neutral and non-polar, at codon 238 of the CD151 protein (p.Met238Leu). This variant is not present in population databases (gnomAD no frequency). This variant has not been reported in the literature in individuals affected with CD151-related conditions. An algorithm developed to predict the effect of missense changes on protein structure and function (PolyPhen-2) suggests that this variant is likely to be tolerated. In summary, the available evidence is currently insufficient to determine the role of this variant in disease. Therefore, it has been classified as a Variant of Uncertain Significance.

NM_004357.5(CD151):c.712A>C (p.Met238Leu)

Gene: CD151 (CD151 molecule (Raph blood group); plus strand). Cytogenetic location: 11p15.5.
Variant type: single nucleotide variant.
Coding change: c.712A>C on transcript NM_004357.5 (MANE Select); coding-DNA position 712, A replaced by C.
Protein change: p.Met238Leu; replaces methionine 238 with leucine.
Molecular consequence: missense variant.
Genome position (GRCh38, 1-based): chr11:838,142, A>C. VCF-style: chr11-838142-A-C. GRCh37 (hg19) VCF-style: chr11-838142-A-C.
Other names: c.712A>C, p.Met238Leu (NM_139029.2, NM_139030.4, NM_001039490.2); short protein forms M238L.
Identifiers: ClinVar variation 3685422 (VCV003685422.2).